The following is an entry in ClinVar:

NM_194454.3(KRIT1):c.2152G>A (p.Val718Met)

Gene: KRIT1 (KRIT1 ankyrin repeat containing; minus strand). Cytogenetic location: 7q21.2.
Variant type: single nucleotide variant.
Coding change: c.2152G>A on transcript NM_194454.3 (MANE Select); coding-DNA position 2152, G replaced by A.
Protein change: p.Val718Met; replaces valine 718 with methionine.
Molecular consequence: missense variant.
Genome position (GRCh38, 1-based): chr7:92,200,795, C>T on the plus strand (G>A on the coding strand, the complement: KRIT1 is on the minus strand). VCF-style: chr7-92200795-C-T. GRCh37 (hg19) VCF-style: chr7-91830109-C-T.
Other names: c.2008G>A, p.Val670Met (NM_001013406.2, NM_001350669.1, NM_001350670.1); c.1438G>A, p.Val480Met (NM_001350671.1); c.2152G>A, p.Val718Met (NM_001350672.1, NM_001350673.1, NM_001350674.1 and 26 more transcripts); short protein forms V718M, V480M, V670M.
Identifiers: ClinVar variation 578862 (VCV000578862.11), dbSNP rs140952803, ClinGen allele CA4338932.
Genomic context (GRCh38, chr7:92,200,795, plus strand): 5'-TTCATGAATTTCTTTCAGTGGGCATTAACTGTCCATTTAGCTTCATTAACAGTTTTACCA[C>T]GAGACCAGCCTACAAAGTAAAACATGTCAATAATAAATATAAAACATGTAAGAATCTTTA-3'
Protein context (NP_919436.1, residues 708-728): FIVHTKQAGL[Val718Met]VKLLMKLNGQ

ClinVar aggregate classification (germline): Conflicting classifications of pathogenicity. Review status: criteria provided, conflicting classifications (1 of 4 stars). 2 submissions from 2 submitters: Uncertain significance (1); Likely benign (1). Last evaluated 2024-03-25.

Conditions:
Inborn genetic diseases. Identifiers: MedGen C0950123, MeSH D030342.
Cerebral cavernous malformation (CCM). Also called: Cavernous Hemangioma of Brain; Cerebral cavernous hemangioma (type); CAVERNOUS ANGIOMA, FAMILIAL; CAVERNOUS ANGIOMATOUS MALFORMATIONS; CEREBRAL CAPILLARY MALFORMATIONS; Cerebral cavernous malformations. Identifiers: Orphanet 221061, MedGen C2919945, MONDO:0000820, OMIM 116860, HP:0033522.

Allele frequency attached by ClinVar (database versions not stated): gnomAD exomes 0.00002 and 0.00003; ExAC 0.00006; TOPMed 0.00007; ESP Exome Variant Server 0.00008; gnomAD 0.00013 and 0.00014; 1000 Genomes Project 0.00020; 1000 Genomes Project 30x 0.00031.
gnomAD v4.1: 47 of 1,600,136 alleles (0.0029%); highest among the groups gnomAD compares: African/African-American, 0.036%; no homozygotes.

Submissions (2):

Ambry Genetics
Classification: Likely benign for Inborn genetic diseases. Last evaluated: 2024-03-25. Review status: criteria provided, single submitter. Criteria: Ambry Variant Classification Scheme 2023. Collection method: clinical testing. Allele origin: germline.

Labcorp Genetics (formerly Invitae), Labcorp
Classification: Uncertain significance for Cerebral cavernous malformation. Last evaluated: 2017-08-01. Review status: criteria provided, single submitter. Criteria: Invitae Variant Classification Sherloc (09022015). Collection method: clinical testing. Allele origin: germline.
Comment: This sequence change replaces valine with methionine at codon 718 of the KRIT1 protein (p.Val718Met). The valine residue is moderately conserved and there is a small physicochemical difference between valine and methionine. This variant is present in population databases (rs140952803, ExAC 0.05%). This variant has not been reported in the literature in individuals with KRIT1-related disease. Algorithms developed to predict the effect of missense changes on protein structure and function do not agree on the potential impact of this missense change (SIFT: "Deleterious"; PolyPhen-2: "Benign"; Align-GVGD: "Class C0"). In summary, the available evidence is currently insufficient to determine the role of this variant in disease. Therefore, it has been classified as a Variant of Uncertain Significance.